The following is an entry in ClinVar:

NM_000146.4(FTL):c.256G>C (p.Ala86Pro)

Gene: FTL (ferritin light chain; plus strand). Cytogenetic location: 19q13.33.
Variant type: single nucleotide variant.
Coding change: c.256G>C on transcript NM_000146.4 (MANE Select); coding-DNA position 256, G replaced by C.
Protein change: p.Ala86Pro; replaces alanine 86 with proline.
Molecular consequence: missense variant.
Genome position (GRCh38, 1-based): chr19:48,966,287, G>C. VCF-style: chr19-48966287-G-C. GRCh37 (hg19) VCF-style: chr19-49469544-G-C.
Other names: short protein forms A86P.
Identifiers: ClinVar variation 1399868 (VCV001399868.6), dbSNP rs773293832, ClinGen allele CA9562526.
Genomic context (GRCh38, chr19:48,966,287, plus strand): 5'-TTAGTTCTATGTGCCGAGTGTGTGTATTCTGAGCCATTTCTCCCTTCTATATAGAAGCCA[G>C]CTGAAGATGAGTGGGGTAAAACCCCAGACGCCATGAAAGCTGCCATGGCCCTGGAGAAAA-3'
Protein context (NP_000137.2, residues 76-96): RALFQDIKKP[Ala86Pro]EDEWGKTPDA

ClinVar aggregate classification (germline): Uncertain significance (1 of 4 stars; one submission).

Conditions:
Neuroferritinopathy (NBIA3). Also called: NEURODEGENERATION WITH BRAIN IRON ACCUMULATION 3; BASAL GANGLIA DISEASE, ADULT-ONSET. Identifiers: Orphanet 157846, MedGen C1853578, MONDO:0011638, OMIM 606159.
Hereditary hyperferritinemia with congenital cataracts. Also called: HYPERFERRITINEMIA WITH OR WITHOUT CATARACT; Hereditary hyperferritinemia cataract syndrome; Bonneau-Beaumont syndrome. Identifiers: Orphanet 163, MedGen C1833213, MONDO:0010952, OMIM 600886.

Allele frequency attached by ClinVar (database versions not stated): gnomAD exomes below 0.00001; ExAC 0.00001.
gnomAD v4.1: 1 of 1,614,100 alleles (0.000062%); highest among the groups gnomAD compares: Admixed American, 0.0017%; no homozygotes.

Submission:

Labcorp Genetics (formerly Invitae), Labcorp
Classification: Uncertain significance for Neuroferritinopathy; Hereditary hyperferritinemia with congenital cataracts. Last evaluated: 2022-01-28. Review status: criteria provided, single submitter. Criteria: Invitae Variant Classification Sherloc (09022015). Collection method: clinical testing. Allele origin: germline.
Comment: This sequence change replaces alanine, which is neutral and non-polar, with proline, which is neutral and non-polar, at codon 86 of the FTL protein (p.Ala86Pro). This variant is present in population databases (rs773293832, gnomAD 0.003%). This variant has not been reported in the literature in individuals affected with FTL-related conditions. Algorithms developed to predict the effect of missense changes on protein structure and function output the following: SIFT: "Tolerated"; PolyPhen-2: "Benign"; Align-GVGD: "Class C0". The proline amino acid residue is found in multiple mammalian species, which suggests that this missense change does not adversely affect protein function. In summary, the available evidence is currently insufficient to determine the role of this variant in disease. Therefore, it has been classified as a Variant of Uncertain Significance.